The following is an entry in ClinVar:

NM_001376.5(DYNC1H1):c.6943T>G (p.Leu2315Val)

Gene: DYNC1H1 (dynein cytoplasmic 1 heavy chain 1; plus strand). Cytogenetic location: 14q32.31.
Variant type: single nucleotide variant.
Coding change: c.6943T>G on transcript NM_001376.5 (MANE Select); coding-DNA position 6943, T replaced by G.
Protein change: p.Leu2315Val; replaces leucine 2315 with valine.
Molecular consequence: missense variant.
Genome position (GRCh38, 1-based): chr14:102,012,399, T>G. VCF-style: chr14-102012399-T-G. GRCh37 (hg19) VCF-style: chr14-102478736-T-G.
Other names: short protein forms L2315V.
Identifiers: ClinVar variation 2572651 (VCV002572651.1), dbSNP rs2503757868, ClinGen allele CA391058922.

ClinVar aggregate classification (germline): Likely pathogenic (1 of 4 stars; one submission).

Conditions:
Cortical dysplasia, complex, with other brain malformations 13. Also called: Intellectual disability, autosomal dominant 13. Identifiers: MedGen C3281202, MONDO:0013805, OMIM 614563.

Submission:

Laboratory of Medical Genetics, National & Kapodistrian University of Athens
Classification: Likely pathogenic for Cortical dysplasia, complex, with other brain malformations 13. Last evaluated: 2023-06-29. Review status: criteria provided, single submitter. Criteria: ACMG Guidelines, 2015. Collection method: clinical testing. Allele origin: de novo. Affected: yes.
Comment: PS2, PM2, PP3